The following is an entry in ClinVar:

NM_000059.4(BRCA2):c.4522G>C (p.Gly1508Arg)

Gene: BRCA2 (BRCA2 DNA repair associated; plus strand). Cytogenetic location: 13q13.1.
Variant type: single nucleotide variant.
Coding change: c.4522G>C on transcript NM_000059.4 (MANE Select); coding-DNA position 4522, G replaced by C.
Protein change: p.Gly1508Arg; replaces glycine 1508 with arginine.
Molecular consequence: missense variant.
Genome position (GRCh38, 1-based): chr13:32,338,877, G>C. VCF-style: chr13-32338877-G-C. GRCh37 (hg19) VCF-style: chr13-32913014-G-C.
Other names: short protein forms G1508R.
Identifiers: ClinVar variation 234470 (VCV000234470.20), dbSNP rs876661035, ClinGen allele CA10577472.

ClinVar aggregate classification (germline): Conflicting classifications of pathogenicity. Review status: criteria provided, conflicting classifications (1 of 4 stars). 7 submissions from 7 submitters: Uncertain significance (5); Likely benign (2). Last evaluated 2025-10-23.

Conditions:
Hereditary cancer-predisposing syndrome. Also called: Neoplastic Syndromes, Hereditary; Hereditary Cancer Syndrome; Tumor predisposition; Hereditary neoplastic syndrome. Identifiers: Orphanet 140162, MedGen C0027672, MeSH D009386, MONDO:0015356.
Hereditary breast ovarian cancer syndrome. Also called: Breast and ovarian cancer; BRCA1- and BRCA2-Associated Hereditary Breast and Ovarian Cancer; Hereditary breast and ovarian cancer syndrome; Hereditary breast and ovarian cancer syndrome (HBOC); Hereditary breast and/or ovarian cancer syndrome; Hereditary breast and ovarian cancer. Identifiers: Orphanet 145, MedGen C0677776, MeSH D061325, MONDO:0003582. Disease mechanism: loss of function.

Submissions (7):

Ambry Genetics
Classification: Uncertain significance for Hereditary cancer-predisposing syndrome. Last evaluated: 2025-10-23. Review status: criteria provided, single submitter. Criteria: Ambry Variant Classification Scheme 2023. Collection method: clinical testing. Allele origin: germline.
Comment: The p.G1508R variant (also known as c.4522G>C), located in coding exon 10 of the BRCA2 gene, results from a G to C substitution at nucleotide position 4522. The glycine at codon 1508 is replaced by arginine, an amino acid with dissimilar properties. This amino acid position is poorly conserved in available vertebrate species. In addition, this alteration is predicted to be tolerated by in silico analysis. Since supporting evidence is limited at this time, the clinical significance of this alteration remains unclear.

Quest Diagnostics Nichols Institute San Juan Capistrano
Classification: Uncertain significance. Last evaluated: 2025-06-05. Review status: criteria provided, single submitter. Criteria: Quest Diagnostics criteria. Collection method: clinical testing. Allele origin: unknown.
Comment: The BRCA2 c.4522G>C (p.Gly1508Arg) variant has not been reported in individuals with BRCA2-related conditions in the published literature. This variant has been reported to be located in a region of the BRCA2 gene that is tolerant to missense sequence changes (PMID: 31911673 (2020)). It also has not been reported in large, multi-ethnic general populations (Genome Aggregation Database). Analysis of this variant using bioinformatics tools for the prediction of the effect of amino acid changes on protein structure and function yielded predictions that this variant is benign. Based on the available information, we are unable to determine the clinical significance of this variant.

Color Diagnostics, LLC DBA Color Health
Classification: Uncertain significance for Hereditary cancer-predisposing syndrome. Last evaluated: 2023-12-05. Review status: criteria provided, single submitter. Criteria: ACMG Guidelines, 2015. Collection method: clinical testing. Allele origin: germline.
Comment: This missense variant replaces glycine with arginine at codon 1508 of the BRCA2 protein. Computational prediction suggests that this variant may not impact protein structure and function (internally defined REVEL score threshold <= 0.5, PMID: 27666373). To our knowledge, functional studies have not been reported for this variant. This variant has not been reported in individuals affected with BRCA2-related disorders in the literature. This variant has not been identified in the general population by the Genome Aggregation Database (gnomAD). The available evidence is insufficient to determine the role of this variant in disease conclusively. Therefore, this variant is classified as a Variant of Uncertain Significance.

University of Washington Department of Laboratory Medicine, University of Washington
Classification: Likely benign for Hereditary cancer-predisposing syndrome. Last evaluated: 2023-03-23. Review status: criteria provided, single submitter. Criteria: Dines et al. (Genet Med. 2020). Collection method: curation. Allele origin: germline.
Comment: Missense variant in a coldspot region where missense variants are very unlikely to be pathogenic (PMID:31911673).

BRCA2 exon 11 coldspot. Reclassification based on statistical prior probability.

Blueprint Genetics
Classification: Likely benign. Last evaluated: 2022-11-01. Review status: criteria provided, single submitter. Criteria: ACMG Guidelines, 2015. Collection method: clinical testing. Allele origin: germline.

Labcorp Genetics (formerly Invitae), Labcorp
Classification: Uncertain significance for Hereditary breast ovarian cancer syndrome. Last evaluated: 2022-07-03. Review status: criteria provided, single submitter. Criteria: Invitae Variant Classification Sherloc (09022015). Collection method: clinical testing. Allele origin: germline.
Comment: In summary, the available evidence is currently insufficient to determine the role of this variant in disease. Therefore, it has been classified as a Variant of Uncertain Significance. Advanced modeling of protein sequence and biophysical properties (such as structural, functional, and spatial information, amino acid conservation, physicochemical variation, residue mobility, and thermodynamic stability) performed at Invitae indicates that this missense variant is not expected to disrupt BRCA2 protein function. ClinVar contains an entry for this variant (Variation ID: 234470). This variant has not been reported in the literature in individuals affected with BRCA2-related conditions. This variant is not present in population databases (gnomAD no frequency). This sequence change replaces glycine, which is neutral and non-polar, with arginine, which is basic and polar, at codon 1508 of the BRCA2 protein (p.Gly1508Arg).

GeneDx
Classification: Uncertain significance. Last evaluated: 2016-02-22. Review status: criteria provided, single submitter. Criteria: GeneDx Variant Classification (06012015). Collection method: clinical testing. Allele origin: germline. Affected: yes.
Comment: This variant is denoted BRCA2 c.4522G>C at the cDNA level, p.Gly1508Arg (G1508R) at the protein level, and results in the change of a Glycine to an Arginine (GGA>CGA). Using alternate nomenclature, this variant would be defined as BRCA2 4750G>C. This variant has not, to our knowledge, been published in the literature as pathogenic or benign. BRCA2 Gly1508Arg was not observed in approximately 6,500 individuals of European and African American ancestry in the NHLBI Exome Sequencing Project, indicating it is not a common benign variant in these populations. Since Glycine and Arginine differ in polarity, charge, size or other properties, this is considered a non-conservative amino acid substitution. BRCA2 Gly1508Arg occurs at a position that is not conserved and is located in the POLH binding domain (Buisson 2014). In silico analyses predict that this variant is unlikely to alter protein structure or function. Based on currently available information, it is unclear whether BRCA2 Gly1508Arg is pathogenic or benign. We consider it to be a variant of uncertain significance.

Literature cited by the submitters: PubMed 31911673 (cited by Quest Diagnostics Nichols Institute San Juan Capistrano).